The following is an entry in ClinVar:

NM_001458.5(FLNC):c.2275G>C (p.Gly759Arg)

Gene: FLNC (filamin C; plus strand). Cytogenetic location: 7q32.1.
Variant type: single nucleotide variant.
Coding change: c.2275G>C on transcript NM_001458.5 (MANE Select); coding-DNA position 2275, G replaced by C.
Protein change: p.Gly759Arg; replaces glycine 759 with arginine.
Molecular consequence: missense variant.
Genome position (GRCh38, 1-based): chr7:128,842,584, G>C. VCF-style: chr7-128842584-G-C. GRCh37 (hg19) VCF-style: chr7-128482638-G-C.
Other names: c.2275G>C, p.Gly759Arg (NM_001127487.2); short protein forms G759R.
Identifiers: ClinVar variation 2948538 (VCV002948538.3), dbSNP rs2536631347, ClinGen allele CA369191053.
Genomic context (GRCh38, chr7:128,842,584, plus strand): 5'-AGGATGAGCCTTGAGGGAGGGCACCACGCTGAGCTGCGACCCCTCCCGCAGGTGAACGTG[G>C]GCGAGGGCAGCCACCCCGAGCGGGTAAAGGTGTACGGCCCCGGAGTGGAGAAGACAGGCC-3'
Protein context (NP_001449.3, residues 749-769): VPKSPFRVNV[Gly759Arg]EGSHPERVKV

ClinVar aggregate classification (germline): Uncertain significance (1 of 4 stars; one submission).

Conditions:
Hypertrophic cardiomyopathy 26. Also called: Cardiomyopathy, familial hypertrophic, 26. Identifiers: Orphanet 75249, MedGen C4310749, MONDO:0014883, OMIM 617047.
Myofibrillar myopathy 5. Also called: Filaminopathy (type); FILAMINOPATHY, AUTOSOMAL DOMINANT. Identifiers: Orphanet 171445, MedGen C1836050, MONDO:0012289, OMIM 609524.
Distal myopathy with posterior leg and anterior hand involvement. Also called: WILLIAMS DISTAL MYOPATHY. Identifiers: Orphanet 63273, MedGen C3279722, MONDO:0013550, OMIM 614065.

Submission:

Labcorp Genetics (formerly Invitae), Labcorp
Classification: Uncertain significance for Distal myopathy with posterior leg and anterior hand involvement; Myofibrillar myopathy 5; Hypertrophic cardiomyopathy 26. Last evaluated: 2023-06-04. Review status: criteria provided, single submitter. Criteria: Invitae Variant Classification Sherloc (09022015). Collection method: clinical testing. Allele origin: germline.
Comment: In summary, the available evidence is currently insufficient to determine the role of this variant in disease. Therefore, it has been classified as a Variant of Uncertain Significance. Advanced modeling of protein sequence and biophysical properties (such as structural, functional, and spatial information, amino acid conservation, physicochemical variation, residue mobility, and thermodynamic stability) has been performed at Invitae for this missense variant, however the output from this modeling did not meet the statistical confidence thresholds required to predict the impact of this variant on FLNC protein function. This variant has not been reported in the literature in individuals affected with FLNC-related conditions. This variant is not present in population databases (gnomAD no frequency). This sequence change replaces glycine, which is neutral and non-polar, with arginine, which is basic and polar, at codon 759 of the FLNC protein (p.Gly759Arg).